The following is an entry in ClinVar:

ClinVar aggregate classification (germline): Uncertain significance (1 of 4 stars; one submission).

Conditions:
Cardiovascular phenotype. Identifiers: MedGen CN230736.

Submission:

Ambry Genetics
Classification: Uncertain significance for Cardiovascular phenotype. Last evaluated: 2022-07-06. Review status: criteria provided, single submitter. Criteria: Ambry Variant Classification Scheme 2023. Collection method: clinical testing. Allele origin: germline.
Comment: The p.K959T variant (also known as c.2876A>C), located in coding exon 20 of the DSP gene, results from an A to C substitution at nucleotide position 2876. The lysine at codon 959 is replaced by threonine, an amino acid with similar properties. This amino acid position is conserved. In addition, this alteration is predicted to be deleterious by in silico analysis. Since supporting evidence is limited at this time, the clinical significance of this alteration remains unclear.

NM_004415.4(DSP):c.2876A>C (p.Lys959Thr)

Gene: DSP (desmoplakin; plus strand). Cytogenetic location: 6p24.3.
Variant type: single nucleotide variant.
Coding change: c.2876A>C on transcript NM_004415.4 (MANE Select); coding-DNA position 2876, A replaced by C.
Protein change: p.Lys959Thr; replaces lysine 959 with threonine.
Molecular consequence: missense variant.
Genome position (GRCh38, 1-based): chr6:7,577,041, A>C. VCF-style: chr6-7577041-A-C. GRCh37 (hg19) VCF-style: chr6-7577274-A-C.
Other names: c.2876A>C, p.Lys959Thr (NM_001319034.2, NM_001008844.3); short protein forms K959T.
Identifiers: ClinVar variation 1797096 (VCV001797096.2), dbSNP rs1581812596, ClinGen allele CA362682332.